The following is an entry in ClinVar:

NM_000444.6(PHEX):c.1520T>C (p.Leu507Pro)

Gene: PHEX (phosphate regulating endopeptidase X-linked; plus strand). Cytogenetic location: Xp22.11.
Variant type: single nucleotide variant.
Coding change: c.1520T>C on transcript NM_000444.6 (MANE Select); coding-DNA position 1520, T replaced by C.
Protein change: p.Leu507Pro; replaces leucine 507 with proline.
Molecular consequence: missense variant.
Genome position (GRCh38, 1-based): chrX:22,178,310, T>C. VCF-style: chrX-22178310-T-C. GRCh37 (hg19) VCF-style: chrX-22196427-T-C.
Other names: c.1520T>C, p.Leu507Pro (NM_001282754.2); short protein forms L507P.
Identifiers: ClinVar variation 958120 (VCV000958120.9), dbSNP rs1933773762, ClinGen allele CA412574860.
Genomic context (GRCh38, chrX:22,178,310, plus strand): 5'-ATGTTGTGGTTTGTTTTATTCAGATCAAGTTTTCAGAAGCCGACTACTTTGGCAACGTCC[T>C]ACAAACTCGCAAGTATTTAGCACAGTCTGATTTCTTCTGGCTAAGAAAAGCCGTTCCAAA-3'
Protein context (NP_000435.3, residues 497-517): FSEADYFGNV[Leu507Pro]QTRKYLAQSD

ClinVar aggregate classification (germline): Uncertain significance (1 of 4 stars; one submission).

Submission:

Labcorp Genetics (formerly Invitae), Labcorp
Classification: Uncertain significance. Last evaluated: 2019-08-02. Review status: criteria provided, single submitter. Criteria: Invitae Variant Classification Sherloc (09022015). Collection method: clinical testing. Allele origin: germline.
Comment: This variant is not present in population databases (ExAC no frequency). In summary, the available evidence is currently insufficient to determine the role of this variant in disease. Therefore, it has been classified as a Variant of Uncertain Significance. Algorithms developed to predict the effect of missense changes on protein structure and function (SIFT, PolyPhen-2, Align-GVGD) all suggest that this variant is likely to be disruptive, but these predictions have not been confirmed by published functional studies and their clinical significance is uncertain. The leucine residue is moderately conserved and there is a moderate physicochemical difference between leucine and proline.